The following is an entry in ClinVar:

NM_020631.6(PLEKHG5):c.2751G>A (p.Gln917=)

Gene: PLEKHG5 (pleckstrin homology and RhoGEF domain containing G5; minus strand). Cytogenetic location: 1p36.31.
Variant type: single nucleotide variant.
Coding change: c.2751G>A on transcript NM_020631.6 (MANE Select); coding-DNA position 2751, G replaced by A.
Protein change: p.Gln917=; no amino-acid change (glutamine 917 retained).
Molecular consequence: synonymous variant. On other transcripts: intron variant (1).
Genome position (GRCh38, 1-based): chr1:6,468,085, C>T on the plus strand (G>A on the coding strand, the complement: PLEKHG5 is on the minus strand). VCF-style: chr1-6468085-C-T. GRCh37 (hg19) VCF-style: chr1-6528145-C-T.
Other names: c.2862G>A, p.Gln954= (NM_001042663.3, NM_001265592.2); c.2751G>A, p.Gln917= (NM_001042664.2, NM_001042665.2, NM_198681.4); c.2958G>A, p.Gln986= (NM_001265593.2); c.2737+14G>A (NM_001265594.3).
Identifiers: ClinVar variation 380622 (VCV000380622.77), dbSNP rs370666430, ClinGen allele CA561096.

ClinVar aggregate classification (germline): Conflicting classifications of pathogenicity. Review status: criteria provided, conflicting classifications (1 of 4 stars). 5 submissions from 5 submitters: Uncertain significance (1); Benign (1); Likely benign (3). Last evaluated 2025-12-28.

Conditions:
Inborn genetic diseases. Identifiers: MedGen C0950123, MeSH D030342.
Charcot-Marie-Tooth disease recessive intermediate C. Also called: CHARCOT-MARIE-TOOTH NEUROPATHY, RECESSIVE INTERMEDIATE C. Identifiers: Orphanet 369867, MedGen C3809309, MONDO:0014154, OMIM 615376.
Neuronopathy, distal hereditary motor, autosomal recessive 4. Also called: Autosomal recessive lower motor neuron disease with childhood onset; NEUROPATHY, DISTAL HEREDITARY MOTOR, AUTOSOMAL RECESSIVE 4. Identifiers: Orphanet 206580, MedGen C1970211, MONDO:0012608, OMIM 611067.

Allele frequency attached by ClinVar (database versions not stated): gnomAD exomes 0.00014; ESP Exome Variant Server 0.00023; gnomAD 0.00028; ExAC 0.00032; TOPMed 0.00038; 1000 Genomes Project 30x 0.00062; 1000 Genomes Project 0.00080.
gnomAD v4.1: 117 of 1,585,446 alleles (0.0074%); highest among the groups gnomAD compares: African/African-American, 0.084%; 2 homozygotes.

Submissions (5):

Labcorp Genetics (formerly Invitae), Labcorp
Classification: Benign for Neuronopathy, distal hereditary motor, autosomal recessive 4; Charcot-Marie-Tooth disease recessive intermediate C. Last evaluated: 2025-12-28. Review status: criteria provided, single submitter. Criteria: Invitae Variant Classification Sherloc (09022015). Collection method: clinical testing. Allele origin: germline.

CeGaT Center for Human Genetics Tuebingen
Classification: Likely benign. Last evaluated: 2023-12-01. Review status: criteria provided, single submitter. Criteria: CeGaT Center For Human Genetics Tuebingen Variant Classification Criteria Version 2. Collection method: clinical testing. Allele origin: germline. Affected: yes. Observed: 1 variant allele.
Comment: PLEKHG5: BP4

GeneDx
Classification: Likely benign. Last evaluated: 2019-08-28. Review status: criteria provided, single submitter. Criteria: GeneDx Variant Classification Process June 2021. Collection method: clinical testing. Allele origin: germline. Affected: yes.

Ambry Genetics
Classification: Likely benign for Inborn genetic diseases. Last evaluated: 2019-07-11. Review status: criteria provided, single submitter. Criteria: Ambry Variant Classification Scheme 2023. Collection method: clinical testing. Allele origin: germline.

Illumina Laboratory Services, Illumina
Classification: Uncertain significance for Neuronopathy, distal hereditary motor, autosomal recessive 4. Last evaluated: 2018-01-13. Review status: criteria provided, single submitter. Criteria: ICSL Variant Classification Criteria 13 December 2019. Collection method: clinical testing. Allele origin: germline.